The following is an entry in ClinVar:

NM_025099.6(CTC1):c.1597C>T (p.His533Tyr)

Gene: CTC1 (CST telomere replication complex component 1; minus strand). Cytogenetic location: 17p13.1.
Variant type: single nucleotide variant.
Coding change: c.1597C>T on transcript NM_025099.6 (MANE Select); coding-DNA position 1597, C replaced by T.
Protein change: p.His533Tyr; replaces histidine 533 with tyrosine.
Molecular consequence: missense variant. On other transcripts: non-coding transcript variant (1).
Genome position (GRCh38, 1-based): chr17:8,234,769, G>A on the plus strand (C>T on the coding strand, the complement: CTC1 is on the minus strand). VCF-style: chr17-8234769-G-A. GRCh37 (hg19) VCF-style: chr17-8138087-G-A.
Other names: c.1597C>T, p.His533Tyr (NM_001411067.1); short protein forms H533Y.
Identifiers: ClinVar variation 2192343 (VCV002192343.4), dbSNP rs1302748336, ClinGen allele CA397983631.
Genomic context (GRCh38, chr17:8,234,769, plus strand): 5'-TCCAGTGTTCTGCCACCATCCTTCCCCCACATCCTCATACTTTCTGGAGGGGACAGTGAT[G>A]TGGCTCTTCAAGGATCTCATTGTGTGCATTCCGAACAGGGCTGCCTGGCGGAGCTAGAAG-3'
Protein context (NP_079375.3, residues 523-543): NAHNEILEEP[His533Tyr]HCPLQKYTRL

ClinVar aggregate classification (germline): Uncertain significance (1 of 4 stars; one submission).

Conditions:
Dyskeratosis congenita. Identifiers: Orphanet 1775, MedGen C0265965, MONDO:0015780.

Allele frequency attached by ClinVar (database versions not stated): TOPMed below 0.00001.
gnomAD v4.1: 4 of 1,599,934 alleles (0.00025%); highest among the groups gnomAD compares: Admixed American, 0.0034%; no homozygotes.

Submission:

Labcorp Genetics (formerly Invitae), Labcorp
Classification: Uncertain significance for Dyskeratosis congenita. Last evaluated: 2022-08-20. Review status: criteria provided, single submitter. Criteria: Invitae Variant Classification Sherloc (09022015). Collection method: clinical testing. Allele origin: germline.
Comment: Algorithms developed to predict the effect of missense changes on protein structure and function are either unavailable or do not agree on the potential impact of this missense change (SIFT: "Deleterious"; PolyPhen-2: "Probably Damaging"; Align-GVGD: "Class C0"). In summary, the available evidence is currently insufficient to determine the role of this variant in disease. Therefore, it has been classified as a Variant of Uncertain Significance. This variant has not been reported in the literature in individuals affected with CTC1-related conditions. This variant is present in population databases (no rsID available, gnomAD 0.006%). This sequence change replaces histidine, which is basic and polar, with tyrosine, which is neutral and polar, at codon 533 of the CTC1 protein (p.His533Tyr).